The following is an entry in ClinVar:

ClinVar aggregate classification (germline): Uncertain significance (1 of 4 stars; one submission).

Conditions:
ALG6-congenital disorder of glycosylation 1C (CDG1C). Also called: CARBOHYDRATE-DEFICIENT GLYCOPROTEIN SYNDROME, TYPE I, WITH DEFICIENT GLYCOSYLATION OF DOLICHOL-LINKED OLIGOSACCHARIDE; CARBOHYDRATE-DEFICIENT GLYCOPROTEIN SYNDROME, TYPE V; Congenital disorder of glycosylation type 1C; CDG Ic; Congenital disorder of glycosylation, type Ic. Identifiers: Orphanet 79320, MedGen C2930997, MONDO:0011291, OMIM 603147.

Allele frequency attached by ClinVar (database versions not stated): gnomAD exomes below 0.00001; TOPMed below 0.00001; gnomAD 0.00003.
gnomAD v4.1: 5 of 1,609,166 alleles (0.00031%); highest among the groups gnomAD compares: African/African-American, 0.0067%; no homozygotes.

Submission:

Labcorp Genetics (formerly Invitae), Labcorp
Classification: Uncertain significance for ALG6-congenital disorder of glycosylation 1C. Last evaluated: 2022-06-13. Review status: criteria provided, single submitter. Criteria: Invitae Variant Classification Sherloc (09022015). Collection method: clinical testing. Allele origin: germline.
Comment: This sequence change replaces methionine, which is neutral and non-polar, with valine, which is neutral and non-polar, at codon 7 of the ALG6 protein (p.Met7Val). This variant is present in population databases (no rsID available, gnomAD 0.01%). This variant has not been reported in the literature in individuals affected with ALG6-related conditions. Algorithms developed to predict the effect of missense changes on protein structure and function (SIFT, PolyPhen-2, Align-GVGD) all suggest that this variant is likely to be tolerated. In summary, the available evidence is currently insufficient to determine the role of this variant in disease. Therefore, it has been classified as a Variant of Uncertain Significance.

NM_013339.4(ALG6):c.19A>G (p.Met7Val)

Gene: ALG6 (ALG6 alpha-1,3-glucosyltransferase; plus strand). Cytogenetic location: 1p31.3.
Variant type: single nucleotide variant.
Coding change: c.19A>G on transcript NM_013339.4 (MANE Select); coding-DNA position 19, A replaced by G.
Protein change: p.Met7Val; replaces methionine 7 with valine.
Molecular consequence: missense variant.
Genome position (GRCh38, 1-based): chr1:63,370,996, A>G. VCF-style: chr1-63370996-A-G. GRCh37 (hg19) VCF-style: chr1-63836667-A-G.
Other names: short protein forms M7V.
Identifiers: ClinVar variation 2139834 (VCV002139834.1), dbSNP rs1463958522, ClinGen allele CA340636778.